The following is an entry in ClinVar:

NM_002582.4(PARN):c.713dup (p.Tyr238Ter)

Gene: PARN (poly(A)-specific ribonuclease; minus strand). Cytogenetic location: 16p13.12.
Variant type: Duplication.
Coding change: c.713dup on transcript NM_002582.4 (MANE Select); coding-DNA position 713, one base duplicated (A; older notation c.713dupA).
Protein change: p.Tyr238Ter; replaces tyrosine 238 with a stop codon.
Molecular consequence: nonsense.
Genome position (GRCh38, 1-based): chr16:14,604,216, T duplicated on the plus strand (A on the coding strand, the reverse complement: PARN is on the minus strand). VCF-style (leftmost placement, unchanged base first): chr16-14604215-A-AT. GRCh37 (hg19) VCF-style: chr16-14698072-A-AT.
Other names: c.530dup, p.Tyr177Ter (NM_001134477.3); c.575dup, p.Tyr192Ter (NM_001242992.2); short protein forms Y192*, Y177*, Y238*.
Identifiers: ClinVar variation 956648 (VCV000956648.8), dbSNP rs1971048225, ClinGen allele CA1139664550.

ClinVar aggregate classification (germline): Pathogenic (1 of 4 stars; one submission).

Conditions:
Dyskeratosis congenita, autosomal recessive 6 (DKCB6). Identifiers: MedGen C4225356, MONDO:0014600, OMIM 616353.
Pulmonary fibrosis and/or bone marrow failure, Telomere-related, 4. Also called: PULMONARY FIBROSIS AND/OR BONE MARROW FAILURE SYNDROME, TELOMERE-RELATED, 4. Identifiers: Orphanet 2032, MedGen C4225347, MONDO:0014612, OMIM 616371.

Submission:

Labcorp Genetics (formerly Invitae), Labcorp
Classification: Pathogenic for Dyskeratosis congenita, autosomal recessive 6; Pulmonary fibrosis and/or bone marrow failure, Telomere-related, 4. Last evaluated: 2019-11-14. Review status: criteria provided, single submitter. Criteria: Invitae Variant Classification Sherloc (09022015). Collection method: clinical testing. Allele origin: germline.
Comment: For these reasons, this variant has been classified as Pathogenic. Loss-of-function variants in PARN are known to be pathogenic (PMID: 9736620, 25848748, 26810774). This variant has not been reported in the literature in individuals with PARN-related conditions. This variant is not present in population databases (ExAC no frequency). This sequence change creates a premature translational stop signal (p.Tyr238*) in the PARN gene. It is expected to result in an absent or disrupted protein product.

Literature cited by the submitters: PubMed 9736620; PubMed 25848748; PubMed 26810774.